The following is an entry in ClinVar:

ClinVar aggregate classification (germline): Pathogenic (1 of 4 stars; one submission).

Submission:

Labcorp Genetics (formerly Invitae), Labcorp
Classification: Pathogenic. Last evaluated: 2022-03-10. Review status: criteria provided, single submitter. Criteria: Invitae Variant Classification Sherloc (09022015). Collection method: clinical testing. Allele origin: germline.
Comment: For these reasons, this variant has been classified as Pathogenic. A similar copy number variant has been observed in individual(s) with retinitis pigmentosa (Invitae). This variant is a gross deletion of the genomic region encompassing exon(s) 22-41 of the USH2A gene. This deletion is out-of-frame, and is expected to create a premature termination codon and result in an absent or disrupted protein product. Loss-of-function variants in USH2A are known to be pathogenic (PMID: 10729113, 10909849, 20507924, 25649381).

Literature cited by the submitters: PubMed 10729113; PubMed 10909849; PubMed 20507924; PubMed 25649381.

NC_000001.10:g.(?_216061748)_(216270575_?)del

Gene: USH2A (usherin; minus strand). Cytogenetic location: 1q41.
Variant type: Deletion.
Identifiers: ClinVar variation 1442542 (VCV001442542.7).